The following is an entry in ClinVar:

ClinVar aggregate classification (germline): Uncertain significance (1 of 4 stars; one submission).

Submission:

GeneDx
Classification: Uncertain significance. Last evaluated: 2025-06-12. Review status: criteria provided, single submitter. Criteria: GeneDx Variant Classification Process June 2021. Collection method: clinical testing. Allele origin: germline. Affected: yes.
Comment: Not observed at significant frequency in large population cohorts (gnomAD); In silico analysis suggests that this missense variant does not alter protein structure/function; Has not been previously published as pathogenic or benign to our knowledge

NM_015021.3(ZNF292):c.6484G>A (p.Glu2162Lys)

Gene: ZNF292 (zinc finger protein 292; plus strand). Cytogenetic location: 6q14.3.
Variant type: single nucleotide variant.
Coding change: c.6484G>A on transcript NM_015021.3 (MANE Select); coding-DNA position 6484, G replaced by A.
Protein change: p.Glu2162Lys; replaces glutamic acid 2162 with lysine.
Molecular consequence: missense variant.
Genome position (GRCh38, 1-based): chr6:87,260,113, G>A. VCF-style: chr6-87260113-G-A. GRCh37 (hg19) VCF-style: chr6-87969831-G-A.
Other names: c.6064G>A, p.Glu2022Lys (NM_001351444.2); short protein forms E2022K, E2162K.
Identifiers: ClinVar variation 4537851 (VCV004537851.1).